The following is an entry in ClinVar:

NM_018082.6(POLR3B):c.2312T>C (p.Val771Ala)

Gene: POLR3B (RNA polymerase III subunit B; plus strand). Cytogenetic location: 12q23.3.
Variant type: single nucleotide variant.
Coding change: c.2312T>C on transcript NM_018082.6 (MANE Select); coding-DNA position 2312, T replaced by C.
Protein change: p.Val771Ala; replaces valine 771 with alanine.
Molecular consequence: missense variant.
Genome position (GRCh38, 1-based): chr12:106,457,156, T>C. VCF-style: chr12-106457156-T-C. GRCh37 (hg19) VCF-style: chr12-106850934-T-C.
Other names: c.2138T>C, p.Val713Ala (NM_001160708.2); short protein forms V713A, V771A.
Identifiers: ClinVar variation 3619144 (VCV003619144.2).
Genomic context (GRCh38, chr12:106,457,156, plus strand): 5'-GGGTTACTGGTGGTTCTAATGCCCATCTTGGTTTCATTTTAGGCTTTGGGCGTTGCCTTG[T>C]ATATAAAAATGCTAAATGTACGTTGAAACGATACACCAATCAGACTTTTGATAAAGTGAT-3'
Protein context (NP_060552.4, residues 761-781): SLDRGFGRCL[Val771Ala]YKNAKCTLKR

ClinVar aggregate classification (germline): Uncertain significance (1 of 4 stars; one submission).

gnomAD v4.1: 39 of 1,613,284 alleles (0.0024%); highest among the groups gnomAD compares: African/African-American, 0.0067%; no homozygotes.

Submission:

Labcorp Genetics (formerly Invitae), Labcorp
Classification: Uncertain significance. Last evaluated: 2024-04-25. Review status: criteria provided, single submitter. Criteria: Invitae Variant Classification Sherloc (09022015). Collection method: clinical testing. Allele origin: germline.
Comment: This sequence change replaces valine, which is neutral and non-polar, with alanine, which is neutral and non-polar, at codon 771 of the POLR3B protein (p.Val771Ala). This variant is present in population databases (rs748432049, gnomAD 0.008%). This variant has not been reported in the literature in individuals affected with POLR3B-related conditions. Advanced modeling of protein sequence and biophysical properties (such as structural, functional, and spatial information, amino acid conservation, physicochemical variation, residue mobility, and thermodynamic stability) has been performed at Invitae for this missense variant, however the output from this modeling did not meet the statistical confidence thresholds required to predict the impact of this variant on POLR3B protein function. In summary, the available evidence is currently insufficient to determine the role of this variant in disease. Therefore, it has been classified as a Variant of Uncertain Significance.